The following is an entry in ClinVar:

NM_002691.4(POLD1):c.474del (p.Glu159fs)

Gene: POLD1 (DNA polymerase delta 1, catalytic subunit; plus strand). Cytogenetic location: 19q13.33.
Variant type: Deletion.
Coding change: c.474del on transcript NM_002691.4 (MANE Select); coding-DNA position 474, one base deleted (C; older notation c.474delC).
Protein change: p.Glu159fs; shifts the reading frame from glutamic acid 159.
Molecular consequence: frameshift variant. On other transcripts: non-coding transcript variant (1).
Genome position (GRCh38, 1-based): chr19:50,402,009, C deleted; the last of 3 consecutive C bases (chr19:50,402,007-50,402,009); deleting any one gives the same sequence. VCF-style (leftmost placement, unchanged base first): chr19-50402006-GC-G. GRCh37 (hg19) VCF-style: chr19-50905263-GC-G.
Other names: c.474del (NM_002691.3); c.474del, p.Glu159fs (NM_001256849.1, NM_001308632.1); short protein forms E159fs.
Identifiers: ClinVar variation 1486381 (VCV001486381.32), dbSNP rs752495905, ClinGen allele CA9595756.
Genomic context (GRCh38, chr19:50,402,006, plus strand): 5'-CCTCCCTGAGCCACTGGAGCCCCCTGCACCTCTGATCATCCCTCCCACACCAGGTTTCGG[GC>G]CCGAGCACATGGGTGACCTGCAACGGGAGCTGAACTTGGCCATCAGCCGGGACAGTCGCG-3'

ClinVar aggregate classification (germline): Uncertain significance. Review status: criteria provided, multiple submitters, no conflicts (2 of 4 stars). 3 submissions from 3 submitters: Uncertain significance (3). Last evaluated 2025-03-14.

Conditions:
POLD1-related polyposis and colorectal cancer syndrome (CRCS10). Also called: COLORECTAL CANCER, SUSCEPTIBILITY TO, ON CHROMOSOME 19q; Colorectal cancer, susceptibility to, 10; Colorectal cancer 10. Identifiers: Orphanet 220460, MedGen C2675481, MONDO:0012953, OMIM 612591.

Submissions (3):

GeneDx
Classification: Uncertain significance. Last evaluated: 2025-03-14. Review status: criteria provided, single submitter. Criteria: GeneDx Variant Classification Process June 2021. Collection method: clinical testing. Allele origin: germline. Affected: yes.
Comment: Not observed at significant frequency in large population cohorts (gnomAD); Has not been previously published as pathogenic or benign to our knowledge; Frameshift variant predicted to result in protein truncation or nonsense mediated decay in a gene for which loss-of-function is not an established mechanism of disease

Labcorp Genetics (formerly Invitae), Labcorp
Classification: Uncertain significance for POLD1-related polyposis and colorectal cancer syndrome. Last evaluated: 2025-01-16. Review status: criteria provided, single submitter. Criteria: Invitae Variant Classification Sherloc (09022015). Collection method: clinical testing. Allele origin: germline.
Comment: This sequence change creates a premature translational stop signal (p.Glu159Serfs*10) in the POLD1 gene. Missense variants that disrupt the 3'-5' exonuclease (proof-reading) activity of the POLD1 protein are associated with PPAP (polymerase proofreading–associated polyposis) (PMID: 23263490, 23447401). However, loss-of-function variants that result in an absent or severely disrupted POLD1 protein, and missense variants outside the exonuclease domain, are unlikely to be associated with PPAP. This variant is present in population databases (rs752495905, gnomAD 0.002%). This variant has not been reported in the literature in individuals affected with POLD1-related conditions. ClinVar contains an entry for this variant (Variation ID: 1486381). In summary, the available evidence is currently insufficient to determine the role of this variant in disease. Therefore, it has been classified as a Variant of Uncertain Significance.

CeGaT Center for Human Genetics Tuebingen
Classification: Uncertain significance. Last evaluated: 2023-03-01. Review status: criteria provided, single submitter. Criteria: CeGaT Center For Human Genetics Tuebingen Variant Classification Criteria Version 2. Collection method: clinical testing. Allele origin: germline. Affected: yes. Observed: 1 variant allele.
Comment: POLD1: PM2

Literature cited by the submitters: PubMed 23263490 (cited by Labcorp Genetics (formerly Invitae), Labcorp); PubMed 23447401 (cited by Labcorp Genetics (formerly Invitae), Labcorp).